The following is an entry in ClinVar:

NM_014989.7(RIMS1):c.2221G>A (p.Val741Ile)

Gene: RIMS1 (regulating synaptic membrane exocytosis 1; plus strand). Cytogenetic location: 6q13.
Variant type: single nucleotide variant.
Coding change: c.2221G>A on transcript NM_014989.7 (MANE Select); coding-DNA position 2221, G replaced by A.
Protein change: p.Val741Ile; replaces valine 741 with isoleucine.
Molecular consequence: missense variant.
Genome position (GRCh38, 1-based): chr6:72,248,107, G>A. VCF-style: chr6-72248107-G-A. GRCh37 (hg19) VCF-style: chr6-72957810-G-A.
Other names: c.643G>A, p.Val215Ile (NM_001168407.2, NM_001168408.2, NM_001350414.2 and 37 more transcripts); c.400G>A, p.Val134Ile (NM_001168409.2, NM_001350461.2, NM_001350463.2 and 6 more transcripts); c.598G>A, p.Val200Ile (NM_001168410.2, NM_001350472.2, NM_001350473.2 and 2 more transcripts); c.574G>A, p.Val192Ile (NM_001350437.2, NM_001350450.2, NM_001350459.2 and 6 more transcripts); short protein forms V215I, V134I, V200I, V192I, V741I.
Identifiers: ClinVar variation 2093283 (VCV002093283.4), dbSNP rs1331501786, ClinGen allele CA364678242.

ClinVar aggregate classification (germline): Uncertain significance (1 of 4 stars; one submission).

Allele frequency attached by ClinVar (database versions not stated): TOPMed below 0.00001; gnomAD 0.00001.
gnomAD v4.1: 1 of 1,611,110 alleles (0.000062%); highest among the groups gnomAD compares: African/African-American, 0.0013%; no homozygotes.

Submission:

Labcorp Genetics (formerly Invitae), Labcorp
Classification: Uncertain significance. Last evaluated: 2024-09-21. Review status: criteria provided, single submitter. Criteria: Invitae Variant Classification Sherloc (09022015). Collection method: clinical testing. Allele origin: germline.
Comment: This sequence change replaces valine, which is neutral and non-polar, with isoleucine, which is neutral and non-polar, at codon 741 of the RIMS1 protein (p.Val741Ile). This variant is present in population databases (no rsID available, gnomAD 0.01%). This variant has not been reported in the literature in individuals affected with RIMS1-related conditions. ClinVar contains an entry for this variant (Variation ID: 2093283). An algorithm developed to predict the effect of missense changes on protein structure and function (PolyPhen-2) suggests that this variant is likely to be tolerated. In summary, the available evidence is currently insufficient to determine the role of this variant in disease. Therefore, it has been classified as a Variant of Uncertain Significance.